The following is an entry in ClinVar:

ClinVar aggregate classification (germline): Uncertain significance (1 of 4 stars; one submission).

Conditions:
Zellweger spectrum disorders (ZS). Also called: Zellweger Spectrum Disorder; Zellweger Spectrum; Zellweger Spectrum Disorder (ZSD); Zellweger syndrome. Identifiers: Orphanet 912, MedGen C0043459, MONDO:0019609.

Submission:

Labcorp Genetics (formerly Invitae), Labcorp
Classification: Uncertain significance for Zellweger spectrum disorders. Last evaluated: 2022-09-01. Review status: criteria provided, single submitter. Criteria: Invitae Variant Classification Sherloc (09022015). Collection method: clinical testing. Allele origin: germline.
Comment: In summary, the available evidence is currently insufficient to determine the role of this variant in disease. Therefore, it has been classified as a Variant of Uncertain Significance. Algorithms developed to predict the effect of missense changes on protein structure and function are either unavailable or do not agree on the potential impact of this missense change (SIFT: "Tolerated"; PolyPhen-2: "Possibly Damaging"; Align-GVGD: "Class C0"). This variant has not been reported in the literature in individuals affected with PEX1-related conditions. This variant is not present in population databases (gnomAD no frequency). This sequence change replaces phenylalanine, which is neutral and non-polar, with leucine, which is neutral and non-polar, at codon 466 of the PEX1 protein (p.Phe466Leu).

NM_000466.3(PEX1):c.1396T>C (p.Phe466Leu)

Gene: PEX1 (peroxisomal biogenesis factor 1; minus strand). Cytogenetic location: 7q21.2.
Variant type: single nucleotide variant.
Coding change: c.1396T>C on transcript NM_000466.3 (MANE Select); coding-DNA position 1396, T replaced by C.
Protein change: p.Phe466Leu; replaces phenylalanine 466 with leucine.
Molecular consequence: missense variant.
Genome position (GRCh38, 1-based): chr7:92,511,667, A>G on the plus strand (T>C on the coding strand, the complement: PEX1 is on the minus strand). VCF-style: chr7-92511667-A-G. GRCh37 (hg19) VCF-style: chr7-92140981-A-G.
Other names: c.1396T>C, p.Phe466Leu (NM_001282677.2); c.772T>C, p.Phe258Leu (NM_001282678.2); short protein forms F466L, F258L.
Identifiers: ClinVar variation 1930955 (VCV001930955.5), dbSNP rs2484687718, ClinGen allele CA368191263.